The following is an entry in ClinVar:

ClinVar aggregate classification (germline): Likely benign. Review status: reviewed by expert panel (3 of 4 stars). 2 submissions from 2 submitters: Likely benign (1). 1 of the submissions does not count toward it. Last evaluated 2025-07-14.

Conditions:
Inborn genetic diseases. Identifiers: MedGen C0950123, MeSH D030342.
Hereditary thrombocytopenia and hematologic cancer predisposition syndrome. Identifiers: Orphanet 71290, MedGen CN281654, MONDO:0011071.

Submissions (2):

ClinGen Myeloid Malignancy Variant Curation Expert Panel
Classification: Likely benign for Hereditary thrombocytopenia and hematologic cancer predisposition syndrome. Last evaluated: 2025-07-14. Review status: reviewed by expert panel. Criteria: ClinGen MyeloMalig ACMG Specifications v2. Collection method: curation. Allele origin: germline. Inheritance: Autosomal dominant inheritance.
Comment: NM_001754.5(RUNX1):c.879T>A (p.Ser293=) is a synonymous variant which has a SpliceAI score ≤ 0.20 (0.01) (BP4). This variant has a SpliceAI score ≤ 0.20 (0.01) and evolutionary conservation prediction algorithms predict the site as not being conserved (PhyloP score ≤ 2.0 (-2.04) (BP7). This variant is completely absent from all population databases with at least 20x coverage for RUNX1 (PM2_Supporting). In summary, this variant meets criteria to be classified as likely benign. ACMG/AMP criteria applied, as specified by the Myeloid Malignancy Variant Curation Expert Panel for RUNX1: BP4, BP7, PM2_supporting.

Ambry Genetics
Classification: Likely benign for Inborn genetic diseases. Last evaluated: 2025-01-24. Review status: criteria provided, single submitter. Criteria: Ambry Variant Classification Scheme 2023. Collection method: clinical testing. Allele origin: germline. Not counted in ClinVar's aggregate classification.

NM_001754.5(RUNX1):c.879T>A (p.Ser293=)

Gene: RUNX1 (RUNX family transcription factor 1; minus strand). Cytogenetic location: 21q22.12.
Variant type: single nucleotide variant.
Coding change: c.879T>A on transcript NM_001754.5 (MANE Select); coding-DNA position 879, T replaced by A.
Protein change: p.Ser293=; no amino-acid change (serine 293 retained).
Molecular consequence: synonymous variant.
Genome position (GRCh38, 1-based): chr21:34,799,389, A>T on the plus strand (T>A on the coding strand, the complement: RUNX1 is on the minus strand). VCF-style: chr21-34799389-A-T. GRCh37 (hg19) VCF-style: chr21-36171686-A-T.
Other names: NM_001754.5(RUNX1):c.879T>A; p.Ser293=; c.798T>A, p.Ser266= (NM_001001890.3).
Identifiers: ClinVar variation 3791484 (VCV003791484.1).